The following is an entry in ClinVar:

ClinVar aggregate classification (germline): Uncertain significance (1 of 4 stars; one submission).

Conditions:
Inborn genetic diseases. Identifiers: MedGen C0950123, MeSH D030342.

Submission:

Ambry Genetics
Classification: Uncertain significance for Inborn genetic diseases. Last evaluated: 2026-05-14. Review status: criteria provided, single submitter. Criteria: Ambry Variant Classification Scheme 2023. Collection method: clinical testing. Allele origin: germline.
Comment: The p.T1101R variant (also known as c.3302C>G), located in coding exon 1 of the SAMD9L gene, results from a C to G substitution at nucleotide position 3302. The threonine at codon 1101 is replaced by arginine, an amino acid with similar properties. This amino acid position is conserved. In addition, this alteration is predicted to be tolerated by in silico analysis. Based on the available evidence, the clinical significance of this variant remains unclear.

NM_152703.5(SAMD9L):c.3302C>G (p.Thr1101Arg)

Gene: SAMD9L (sterile alpha motif domain containing 9 like; minus strand). Cytogenetic location: 7q21.2.
Variant type: single nucleotide variant.
Coding change: c.3302C>G on transcript NM_152703.5 (MANE Select); coding-DNA position 3302, C replaced by G.
Protein change: p.Thr1101Arg; replaces threonine 1101 with arginine.
Molecular consequence: missense variant.
Genome position (GRCh38, 1-based): chr7:93,132,670, G>C on the plus strand (C>G on the coding strand, the complement: SAMD9L is on the minus strand). VCF-style: chr7-93132670-G-C. GRCh37 (hg19) VCF-style: chr7-92761983-G-C.
Other names: c.3302C>G, p.Thr1101Arg (NM_001303496.3, NM_001303497.3, NM_001303498.3 and 5 more transcripts); short protein forms T1101R.
Identifiers: ClinVar variation 4630175 (VCV004630175.2).